The following is an entry in ClinVar:

ClinVar aggregate classification (germline): Likely benign. Review status: criteria provided, multiple submitters, no conflicts (2 of 4 stars). 2 submissions from 2 submitters: Likely benign (2). Last evaluated 2025-12-14.

Conditions:
Long QT syndrome (LQTS). Identifiers: MedGen C0023976, MeSH D008133, MONDO:0002442. Disease mechanism: loss of function. Inheritance: Various modes of inheritance.

Allele frequency attached by ClinVar (database versions not stated): TOPMed 0.00002; gnomAD 0.00003.
gnomAD v4.1: 1 of 1,612,968 alleles (0.000062%); no homozygotes.

Submissions (2):

Labcorp Genetics (formerly Invitae), Labcorp
Classification: Likely benign for Long QT syndrome. Last evaluated: 2025-12-14. Review status: criteria provided, single submitter. Criteria: Invitae Variant Classification Sherloc (09022015). Collection method: clinical testing. Allele origin: germline.

Laboratory for Molecular Medicine, Mass General Brigham Personalized Medicine
Classification: Likely benign. Last evaluated: 2014-05-06. Review status: criteria provided, single submitter. Criteria: LMM Criteria. Collection method: clinical testing. Allele origin: germline. Observed: 1 variant allele.
Comment: 1794+12C>G in intron 15 of KCNQ1: This variant is not expected to have clinical significance because it is not located within the splice consensus sequence.

NM_000218.3(KCNQ1):c.1794+12C>G

Gene: KCNQ1 (potassium voltage-gated channel subfamily Q member 1; plus strand). Cytogenetic location: 11p15.5.
Variant type: single nucleotide variant.
Coding change: c.1794+12C>G on transcript NM_000218.3 (MANE Select); 12 bases into the intron after coding-DNA position 1794, C replaced by G.
Molecular consequence: intron variant.
Genome position (GRCh38, 1-based): chr11:2,778,049, C>G. VCF-style: chr11-2778049-C-G. GRCh37 (hg19) VCF-style: chr11-2799279-C-G.
Other names: c.1524+12C>G (NM_001406837.1); c.1698+12C>G (NM_001406836.1); c.1254+12C>G (NM_001406838.1); c.1413+12C>G (NM_181798.2); c.306+12C>G (NM_001406839.1).
Identifiers: ClinVar variation 179727 (VCV000179727.8), dbSNP rs727505084, ClinGen allele CA006423.
Genomic context (GRCh38, chr11:2,778,049, plus strand): 5'-TCGCGGCAGCAACACGATCGGCGCCCGCCTGAACCGAGTAGAAGACAAGGTAGGCTCACG[C>G]GCCGGCCTGCGGTGGTTCTGGTTAGCGTCCTGGGGCCAGCAGGCACCTCCCTGTGGTCTG-3'